The following is an entry in ClinVar:

NM_001197104.2(KMT2A):c.3993G>T (p.Gln1331His)

Gene: KMT2A (lysine methyltransferase 2A; plus strand). Cytogenetic location: 11q23.3.
Variant type: single nucleotide variant.
Coding change: c.3993G>T on transcript NM_001197104.2 (MANE Select); coding-DNA position 3993, G replaced by T.
Protein change: p.Gln1331His; replaces glutamine 1331 with histidine.
Molecular consequence: missense variant.
Genome position (GRCh38, 1-based): chr11:118,482,073, G>T. VCF-style: chr11-118482073-G-T. GRCh37 (hg19) VCF-style: chr11-118352788-G-T.
Other names: c.4092G>T, p.Gln1364His (NM_001412597.1); c.3993G>T, p.Gln1331His (NM_005933.4); short protein forms Q1331H, Q1364H.
Identifiers: ClinVar variation 2870022 (VCV002870022.4), dbSNP rs1950143099, ClinGen allele CA382828628.

ClinVar aggregate classification (germline): Uncertain significance. Review status: criteria provided, multiple submitters, no conflicts (2 of 4 stars). 2 submissions from 2 submitters: Uncertain significance (2). Last evaluated 2026-08-13.

Conditions:
Inborn genetic diseases. Identifiers: MedGen C0950123, MeSH D030342.

Allele frequency attached by ClinVar (database versions not stated): gnomAD exomes below 0.00001; TOPMed below 0.00001.
gnomAD v4.1: 1 of 1,609,118 alleles (0.000062%); highest among the groups gnomAD compares: African/African-American, 0.0013%; no homozygotes.

Submissions (2):

Ambry Genetics
Classification: Uncertain significance for Inborn genetic diseases. Last evaluated: 2026-08-13. Review status: criteria provided, single submitter. Criteria: Ambry Variant Classification Scheme 2023. Collection method: clinical testing. Allele origin: germline.

Labcorp Genetics (formerly Invitae), Labcorp
Classification: Uncertain significance. Last evaluated: 2023-03-14. Review status: criteria provided, single submitter. Criteria: Invitae Variant Classification Sherloc (09022015). Collection method: clinical testing. Allele origin: germline.
Comment: This variant has not been reported in the literature in individuals affected with KMT2A-related conditions. In summary, the available evidence is currently insufficient to determine the role of this variant in disease. Therefore, it has been classified as a Variant of Uncertain Significance. Advanced modeling of protein sequence and biophysical properties (such as structural, functional, and spatial information, amino acid conservation, physicochemical variation, residue mobility, and thermodynamic stability) has been performed at Invitae for this missense variant, however the output from this modeling did not meet the statistical confidence thresholds required to predict the impact of this variant on KMT2A protein function. This variant is not present in population databases (gnomAD no frequency). This sequence change replaces glutamine, which is neutral and polar, with histidine, which is basic and polar, at codon 1331 of the KMT2A protein (p.Gln1331His).